The following is an entry in ClinVar:

NM_001130009.3(GEN1):c.2197A>G (p.Arg733Gly)

Gene: GEN1 (GEN1 Holliday junction 5' flap endonuclease; plus strand). Cytogenetic location: 2p24.2.
Variant type: single nucleotide variant.
Coding change: c.2197A>G on transcript NM_001130009.3 (MANE Select); coding-DNA position 2197, A replaced by G.
Protein change: p.Arg733Gly; replaces arginine 733 with glycine.
Molecular consequence: missense variant.
Genome position (GRCh38, 1-based): chr2:17,781,409, A>G. VCF-style: chr2-17781409-A-G. GRCh37 (hg19) VCF-style: chr2-17962676-A-G.
Other names: c.2197A>G, p.Arg733Gly (NM_182625.5); short protein forms R733G.
Identifiers: ClinVar variation 3853630 (VCV003853630.1).

ClinVar aggregate classification (germline): Uncertain significance (1 of 4 stars; one submission).

Submission:

Ambry Genetics
Classification: Uncertain significance. Last evaluated: 2025-03-12. Review status: criteria provided, single submitter. Criteria: Ambry Variant Classification Scheme 2023. Collection method: clinical testing. Allele origin: germline.
Comment: The p.R733G variant (also known as c.2197A>G), located in coding exon 13 of the GEN1 gene, results from an A to G substitution at nucleotide position 2197. The arginine at codon 733 is replaced by glycine, an amino acid with dissimilar properties. This amino acid position is conserved. In addition, this alteration is predicted to be tolerated by in silico analysis. Based on the available evidence, the clinical significance of this variant remains unclear.